The following is an entry in ClinVar:

NM_206933.4(USH2A):c.7805C>G (p.Ala2602Gly)

Gene: USH2A (usherin; minus strand). Cytogenetic location: 1q41.
Variant type: single nucleotide variant.
Coding change: c.7805C>G on transcript NM_206933.4 (MANE Select); coding-DNA position 7805, C replaced by G.
Protein change: p.Ala2602Gly; replaces alanine 2602 with glycine.
Molecular consequence: missense variant.
Genome position (GRCh38, 1-based): chr1:215,888,844, G>C on the plus strand (C>G on the coding strand, the complement: USH2A is on the minus strand). VCF-style: chr1-215888844-G-C. GRCh37 (hg19) VCF-style: chr1-216062186-G-C.
Other names: c.7805C>G (NM_206933.2); short protein forms A2602G.
Identifiers: ClinVar variation 1980245 (VCV001980245.4), dbSNP rs750015741, ClinGen allele CA344839886.

ClinVar aggregate classification (germline): Uncertain significance. Review status: criteria provided, multiple submitters, no conflicts (2 of 4 stars). 3 submissions from 3 submitters: Uncertain significance (3). Last evaluated 2025-03-25.

gnomAD v4.1: 2 of 1,614,104 alleles (0.00012%); highest among the groups gnomAD compares: Middle Eastern, 0.016%; no homozygotes.

Submissions (3):

GeneDx
Classification: Uncertain significance. Last evaluated: 2025-03-25. Review status: criteria provided, single submitter. Criteria: GeneDx Variant Classification Process June 2021. Collection method: clinical testing. Allele origin: germline. Affected: yes.
Comment: Not observed at significant frequency in large population cohorts (gnomAD); In silico analysis indicates that this missense variant does not alter protein structure/function; Has not been previously published as pathogenic or benign to our knowledge

Labcorp Genetics (formerly Invitae), Labcorp
Classification: Uncertain significance. Last evaluated: 2025-01-31. Review status: criteria provided, single submitter. Criteria: Invitae Variant Classification Sherloc (09022015). Collection method: clinical testing. Allele origin: germline.
Comment: This sequence change replaces alanine, which is neutral and non-polar, with glycine, which is neutral and non-polar, at codon 2602 of the USH2A protein (p.Ala2602Gly). This variant is not present in population databases (gnomAD no frequency). This variant has not been reported in the literature in individuals affected with USH2A-related conditions. ClinVar contains an entry for this variant (Variation ID: 1980245). Invitae Evidence Modeling of protein sequence and biophysical properties (such as structural, functional, and spatial information, amino acid conservation, physicochemical variation, residue mobility, and thermodynamic stability) indicates that this missense variant is not expected to disrupt USH2A protein function with a negative predictive value of 95%. In summary, the available evidence is currently insufficient to determine the role of this variant in disease. Therefore, it has been classified as a Variant of Uncertain Significance.

Blueprint Genetics
Classification: Uncertain significance. Last evaluated: 2020-12-22. Review status: criteria provided, single submitter. Criteria: ACMG Guidelines, 2015. Collection method: clinical testing. Allele origin: germline.